The following is an entry in ClinVar:

NC_000009.12:g.109167306C>T

Gene: FRRS1L (ferric chelate reductase 1 like; minus strand). Cytogenetic location: 9q31.3.
Variant type: single nucleotide variant.
Genome position: GRCh38 VCF-style: chr9-109167306-C-T. GRCh37 (hg19) VCF-style: chr9-111929586-C-T.
Identifiers: ClinVar variation 1212289 (VCV001212289.6), dbSNP rs73523120, ClinGen allele CA5177515.

ClinVar aggregate classification (germline): Likely benign. Review status: criteria provided, multiple submitters, no conflicts (2 of 4 stars). 3 submissions from 3 submitters: Likely benign (3). Last evaluated 2026-10-01.

Allele frequency attached by ClinVar (database versions not stated): gnomAD exomes 0.00081 and 0.00029; 1000 Genomes Project 0.00220; ESP Exome Variant Server 0.00228; 1000 Genomes Project 30x 0.00297; ExAC 0.00339; gnomAD 0.00351 and 0.00375; TOPMed 0.00386.

Submissions (3):

CeGaT Center for Human Genetics Tuebingen
Classification: Likely benign. Last evaluated: 2026-10-01. Review status: criteria provided, single submitter. Criteria: CeGaT Center For Human Genetics Tuebingen Variant Classification Criteria Version 2. Collection method: clinical testing. Allele origin: germline. Affected: yes. Observed: 1 variant allele.
Comment: FRRS1L: BS1

Blueprint Genetics
Classification: Likely benign. Last evaluated: 2024-10-09. Review status: criteria provided, single submitter. Criteria: ACMG Guidelines, 2015. Collection method: clinical testing. Allele origin: germline.

GeneDx
Classification: Likely benign. Last evaluated: 2018-08-13. Review status: criteria provided, single submitter. Criteria: GeneDx Variant Classification Process June 2021. Collection method: clinical testing. Allele origin: germline. Affected: yes.